The following is an entry in ClinVar:

NM_014049.5(ACAD9):c.1715G>C (p.Cys572Ser)

Genes: ACAD9 (acyl-CoA dehydrogenase family member 9; plus strand), CFAP92 (cilia and flagella associated protein 92 (putative); minus strand). Cytogenetic location: 3q21.3.
Variant type: single nucleotide variant.
Coding change: c.1715G>C on transcript NM_014049.5 (MANE Select); coding-DNA position 1715, G replaced by C.
Protein change: p.Cys572Ser; replaces cysteine 572 with serine.
Molecular consequence: missense variant. On other transcripts: non-coding transcript variant (1), intron variant (3).
Genome position (GRCh38, 1-based): chr3:128,910,763, G>C. VCF-style: chr3-128910763-G-C. GRCh37 (hg19) VCF-style: chr3-128629606-G-C.
Other names: c.1346G>C, p.Cys449Ser (NM_001410805.1); c.2312-430C>G (NM_001348521.2); c.2408-430C>G (NM_001348520.2); c.3281-430C>G (NM_001394090.1); short protein forms C572S, C449S.
Identifiers: ClinVar variation 2199969 (VCV002199969.2), dbSNP rs778558550, ClinGen allele CA354440560.

ClinVar aggregate classification (germline): Uncertain significance. Review status: criteria provided, multiple submitters, no conflicts (2 of 4 stars). 2 submissions from 2 submitters: Uncertain significance (2). Last evaluated 2024-07-01.

Allele frequency attached by ClinVar (database versions not stated): gnomAD 0.00001; TOPMed 0.00003.
gnomAD v4.1: 5 of 1,614,070 alleles (0.00031%); highest among the groups gnomAD compares: Admixed American, 0.0083%; no homozygotes.

Submissions (2):

Women's Health and Genetics/Laboratory Corporation of America, LabCorp
Classification: Uncertain significance. Last evaluated: 2024-07-01. Review status: criteria provided, single submitter. Criteria: LabCorp Variant Classification Summary - May 2015. Collection method: clinical testing. Allele origin: germline.

Labcorp Genetics (formerly Invitae), Labcorp
Classification: Uncertain significance. Last evaluated: 2022-01-07. Review status: criteria provided, single submitter. Criteria: Invitae Variant Classification Sherloc (09022015). Collection method: clinical testing. Allele origin: germline.
Comment: This sequence change replaces cysteine, which is neutral and slightly polar, with serine, which is neutral and polar, at codon 572 of the ACAD9 protein (p.Cys572Ser). This variant is present in population databases (no rsID available, gnomAD 0.009%). This variant has not been reported in the literature in individuals affected with ACAD9-related conditions. Algorithms developed to predict the effect of missense changes on protein structure and function are either unavailable or do not agree on the potential impact of this missense change (SIFT: "Deleterious"; PolyPhen-2: "Probably Damaging"; Align-GVGD: "Class C0"). In summary, the available evidence is currently insufficient to determine the role of this variant in disease. Therefore, it has been classified as a Variant of Uncertain Significance.